The following is an entry in ClinVar:

NM_001134382.3(IQSEC1):c.2194C>T (p.Leu732Phe)

Gene: IQSEC1 (IQ motif and Sec7 domain ArfGEF 1; minus strand). Cytogenetic location: 3p25.2.
Variant type: single nucleotide variant.
Coding change: c.2194C>T on transcript NM_001134382.3 (MANE Select); coding-DNA position 2194, C replaced by T.
Protein change: p.Leu732Phe; replaces leucine 732 with phenylalanine.
Molecular consequence: missense variant.
Genome position (GRCh38, 1-based): chr3:12,913,550, G>A on the plus strand (C>T on the coding strand, the complement: IQSEC1 is on the minus strand). VCF-style: chr3-12913550-G-A. GRCh37 (hg19) VCF-style: chr3-12955050-G-A.
Other names: c.1870C>T, p.Leu624Phe (NM_001330619.3); c.2518C>T, p.Leu840Phe (NM_001376938.2); c.2236C>T, p.Leu746Phe (NM_014869.8); c.2194C>T (NM_001134382.1); short protein forms L624F, L732F, L746F, L840F.
Identifiers: ClinVar variation 1805203 (VCV001805203.2), dbSNP rs751976525, ClinGen allele CA2262002.
Genomic context (GRCh38, chr3:12,913,550, plus strand): 5'-TTGGGTCTGGAACCTCAAAGAGCCGGCAGTAGCAGACCAACCGACGGTGGGGCAGAGAGA[G>A]CACCTGTGTGGGAAGAGGCTGTCCTGCCACGGCCGCCCAGCTCTCCTCTAGGAGCCCTGG-3'
Protein context (NP_001127854.1, residues 722-742): GSLHPGLGCV[Leu732Phe]SLPHRRLVCY

ClinVar aggregate classification (germline): Uncertain significance. Review status: criteria provided, multiple submitters, no conflicts (2 of 4 stars). 2 submissions from 2 submitters: Uncertain significance (2). Last evaluated 2025-03-08.

Conditions:
Intellectual developmental disorder with short stature and behavioral abnormalities. Identifiers: MedGen C5231462, MONDO:0032870, OMIM 618687.

Allele frequency attached by ClinVar (database versions not stated): gnomAD exomes below 0.00001; TOPMed below 0.00001; ExAC 0.00001.
gnomAD v4.1: 3 of 1,602,650 alleles (0.00019%); highest among the groups gnomAD compares: East Asian, 0.0045%; no homozygotes.

Submissions (2):

Ambry Genetics
Classification: Uncertain significance. Last evaluated: 2025-03-08. Review status: criteria provided, single submitter. Criteria: Ambry Variant Classification Scheme 2023. Collection method: clinical testing. Allele origin: germline.

Victorian Clinical Genetics Services, Murdoch Childrens Research Institute
Classification: Uncertain significance for Intellectual developmental disorder with short stature and behavioral abnormalities. Last evaluated: 2022-02-02. Review status: criteria provided, single submitter. Criteria: ACMG Guidelines, 2015. Collection method: clinical testing. Allele origin: germline. Inheritance: Autosomal recessive inheritance.
Comment: Based on the classification scheme VCGS_Germline_v1.3.4, this variant is classified as VUS-3B. Following criteria are met: 0102 - Loss of function is a known mechanism of disease in this gene and is associated with intellectual developmental disorder with short stature and behavioural abnormalities (MIM# 618687). (I) 0106 - This gene is associated with autosomal recessive disease. (I) 0200 - Variant is predicted to result in a missense amino acid change from leucine to phenylalanine. (I) 0251 - This variant is heterozygous. (I) 0304 - Variant is present in gnomAD (v2) <0.01 for a recessive condition (2 heterozygotes, 0 homozygotes). (SP) 0502 - Missense variant with conflicting in silico predictions and high conservation. (I) 0600 - Variant is located in the annotated PH domain (NCBI). (I) 0705 - No comparable missense variants have previous evidence for pathogenicity. (I) 0807 - This variant has no previous evidence of pathogenicity. (I) 0905 - No published segregation evidence has been identified for this variant. (I) 1007 - No published functional evidence has been identified for this variant. (I) Legend: (SP) - Supporting pathogenic, (I) - Information, (SB) - Supporting benign